The following is an entry in ClinVar:

ClinVar aggregate classification (germline): Uncertain significance. Review status: criteria provided, multiple submitters, no conflicts (2 of 4 stars). 3 submissions from 3 submitters: Uncertain significance (3). Last evaluated 2025-03-11.

Conditions:
Inborn genetic diseases. Identifiers: MedGen C0950123, MeSH D030342.

Allele frequency attached by ClinVar (database versions not stated): TOPMed 0.00001; ExAC 0.00004; gnomAD 0.00004.
gnomAD v4.1: 50 of 1,613,344 alleles (0.0031%); highest among the groups gnomAD compares: South Asian, 0.024%; 1 homozygote.

Submissions (3):

GeneDx
Classification: Uncertain significance. Last evaluated: 2025-03-11. Review status: criteria provided, single submitter. Criteria: GeneDx Variant Classification Process June 2021. Collection method: clinical testing. Allele origin: germline. Affected: yes.
Comment: In silico analysis indicates that this missense variant does not alter protein structure/function; Has not been previously published as pathogenic or benign to our knowledge

Ambry Genetics
Classification: Uncertain significance for Inborn genetic diseases. Last evaluated: 2022-12-19. Review status: criteria provided, single submitter. Criteria: Ambry Variant Classification Scheme 2023. Collection method: clinical testing. Allele origin: germline.

Labcorp Genetics (formerly Invitae), Labcorp
Classification: Uncertain significance. Last evaluated: 2022-05-27. Review status: criteria provided, single submitter. Criteria: Invitae Variant Classification Sherloc (09022015). Collection method: clinical testing. Allele origin: germline.
Comment: This sequence change replaces valine, which is neutral and non-polar, with leucine, which is neutral and non-polar, at codon 798 of the VPS13A protein (p.Val798Leu). This variant is present in population databases (rs761012267, gnomAD 0.01%). This variant has not been reported in the literature in individuals affected with VPS13A-related conditions. Algorithms developed to predict the effect of missense changes on protein structure and function (SIFT, PolyPhen-2, Align-GVGD) all suggest that this variant is likely to be tolerated. In summary, the available evidence is currently insufficient to determine the role of this variant in disease. Therefore, it has been classified as a Variant of Uncertain Significance.

NM_033305.3(VPS13A):c.2392G>C (p.Val798Leu)

Gene: VPS13A (vacuolar protein sorting 13 homolog A; plus strand). Cytogenetic location: 9q21.2.
Variant type: single nucleotide variant.
Coding change: c.2392G>C on transcript NM_033305.3 (MANE Select); coding-DNA position 2392, G replaced by C.
Protein change: p.Val798Leu; replaces valine 798 with leucine.
Molecular consequence: missense variant.
Genome position (GRCh38, 1-based): chr9:77,260,189, G>C. VCF-style: chr9-77260189-G-C. GRCh37 (hg19) VCF-style: chr9-79875105-G-C.
Other names: c.2392G>C, p.Val798Leu (NM_001018037.2, NM_001018038.3, NM_015186.4); c.2392G>C (NM_033305.2); short protein forms V798L.
Identifiers: ClinVar variation 2148284 (VCV002148284.3), dbSNP rs761012267, ClinGen allele CA5091939.